The following is an entry in ClinVar:

ClinVar aggregate classification (germline): Likely benign. Review status: criteria provided, single submitter (1 of 4 stars). 2 submissions from 2 submitters: Likely benign (1). 1 of the submissions does not count toward it. Last evaluated 2025-06-12.

Conditions:
SLC9A3-related disorder. Also called: SLC9A3-related condition.

Allele frequency attached by ClinVar (database versions not stated): ExAC 0.00001; gnomAD exomes 0.00001 and 0.00002; gnomAD 0.00004; TOPMed 0.00004; ESP Exome Variant Server 0.00008.
gnomAD v4.1: 49 of 1,613,808 alleles (0.003%); highest among the groups gnomAD compares: African/African-American, 0.031%; no homozygotes.

Submissions (2):

Labcorp Genetics (formerly Invitae), Labcorp
Classification: Likely benign. Last evaluated: 2025-06-12. Review status: criteria provided, single submitter. Criteria: Invitae Variant Classification Sherloc (09022015). Collection method: clinical testing. Allele origin: germline.

PreventionGenetics, part of Exact Sciences
Classification: Likely benign for SLC9A3-related condition. Last evaluated: 2022-11-22. Review status: no assertion criteria provided. Collection method: clinical testing. Allele origin: germline. Not counted in ClinVar's aggregate classification.
Comment: This variant is classified as likely benign based on ACMG/AMP sequence variant interpretation guidelines (Richards et al. 2015 PMID: 25741868, with internal and published modifications).

NM_004174.4(SLC9A3):c.1530C>T (p.Phe510=)

Genes: SLC9A3 (solute carrier family 9 member A3), SLC9A3-AS1 (SLC9A3 antisense RNA 1; plus strand). Cytogenetic location: 5p15.33.
Variant type: single nucleotide variant.
Coding change: c.1530C>T on transcript NM_004174.4 (MANE Select); coding-DNA position 1530, C replaced by T.
Protein change: p.Phe510=; no amino-acid change (phenylalanine 510 retained).
Molecular consequence: synonymous variant. On other transcripts: non-coding transcript variant (1).
Genome position (GRCh38, 1-based): chr5:479,953, G>A on the plus strand (C>T on the coding strand, the complement: SLC9A3 is on the minus strand). VCF-style: chr5-479953-G-A. GRCh37 (hg19) VCF-style: chr5-480068-G-A.
Other names: c.1503C>T, p.Phe501= (NM_001284351.3); c.1530C>T (NM_004174.3).
Identifiers: ClinVar variation 1541334 (VCV001541334.10), dbSNP rs369450763, ClinGen allele CA3175830.